The following is an entry in ClinVar:

NM_001754.5(RUNX1):c.651G>C (p.Gly217=)

Gene: RUNX1 (RUNX family transcription factor 1; minus strand). Cytogenetic location: 21q22.12.
Variant type: single nucleotide variant.
Coding change: c.651G>C on transcript NM_001754.5 (MANE Select); coding-DNA position 651, G replaced by C.
Protein change: p.Gly217=; no amino-acid change (glycine 217 retained).
Molecular consequence: synonymous variant.
Genome position (GRCh38, 1-based): chr21:34,834,564, C>G on the plus strand (G>C on the coding strand, the complement: RUNX1 is on the minus strand). VCF-style: chr21-34834564-C-G. GRCh37 (hg19) VCF-style: chr21-36206861-C-G.
Other names: NM_001754.5(RUNX1):c.651G>C; p.Gly217=; c.570G>C, p.Gly190= (NM_001001890.3, NM_001122607.2).
Identifiers: ClinVar variation 767539 (VCV000767539.12), dbSNP rs1569037346, ClinGen allele CA512318683.

ClinVar aggregate classification (germline): Likely benign. Review status: reviewed by expert panel (3 of 4 stars). 3 submissions from 3 submitters: Likely benign (1). 2 of the submissions do not count toward it. Last evaluated 2022-07-05.

Conditions:
Hereditary thrombocytopenia and hematological cancer predisposition syndrome associated with RUNX1. Also called: PLATELET DISORDER, ASPIRIN-LIKE; Familial Platelet Disorder with Propensity to Acute Myelogenous Leukemia; Familial thrombocytopenia with propensity to acute myelogenous leukemia; RUNX1 Familial Platelet Disorder with Associated Myeloid Malignancies. Identifiers: Orphanet 71290, MedGen C1832388, MeSH C563324, MONDO:0100083, OMIM 601399.
Inborn genetic diseases. Identifiers: MedGen C0950123, MeSH D030342.
Hereditary thrombocytopenia and hematologic cancer predisposition syndrome. Identifiers: Orphanet 71290, MedGen CN281654, MONDO:0011071.

Allele frequency attached by ClinVar (database versions not stated): gnomAD exomes below 0.00001.
gnomAD v4.1: 4 of 1,612,418 alleles (0.00025%); highest among the groups gnomAD compares: South Asian, 0.0011%; no homozygotes.

Submissions (3):

ClinGen Myeloid Malignancy Variant Curation Expert Panel
Classification: Likely benign for Hereditary thrombocytopenia and hematologic cancer predisposition syndrome. Last evaluated: 2022-07-05. Review status: reviewed by expert panel. Criteria: ClinGen MyeloMalig ACMG Specifications v2. Collection method: curation. Allele origin: germline. Inheritance: Autosomal dominant inheritance.
Comment: NM_001754.5(RUNX1):c.651G>C (p.Gly217=) is a synonymous variant. This is a synonymous variant with no REVEL score available and a SpliceAI score is ≤0.50 (0.00) (BP4). Evolutionary conservation prediction algorithms predict the site as not being conserved (PhyloP score 1.06724 ≤ 2.0) (BP7). In summary, this variant meets the criteria to be classified as likely benign. ACMG/AP criteria applied, as specified for Myeloid Malignancy Variant Curation Expert Panel for RUNX1: BP4, BP7.

Ambry Genetics
Classification: Likely benign for Inborn genetic diseases. Last evaluated: 2026-01-15. Review status: criteria provided, single submitter. Criteria: Ambry Variant Classification Scheme 2023. Collection method: clinical testing. Allele origin: germline. Not counted in ClinVar's aggregate classification.

Labcorp Genetics (formerly Invitae), Labcorp
Classification: Likely benign for Hereditary thrombocytopenia and hematological cancer predisposition syndrome associated with RUNX1. Last evaluated: 2023-11-07. Review status: criteria provided, single submitter. Criteria: Invitae Variant Classification Sherloc (09022015). Collection method: clinical testing. Allele origin: germline. Not counted in ClinVar's aggregate classification.